The following is an entry in ClinVar:

ClinVar aggregate classification (germline): Uncertain significance. Review status: criteria provided, multiple submitters, no conflicts (2 of 4 stars). 9 submissions from 9 submitters: Uncertain significance (9). Last evaluated 2025-02-20.

Conditions:
Inborn genetic diseases. Identifiers: MedGen C0950123, MeSH D030342.
Bruck syndrome 1 (BRKS1). Also called: ARTHROGRYPOSIS-LIKE DISORDER. Identifiers: Orphanet 1149, Orphanet 2771, MedGen C1850168, MONDO:0009806, OMIM 259450.
Osteogenesis imperfecta type 11. Also called: Osteogenesis imperfecta, type XI; OI, TYPE XI. Identifiers: Orphanet 666, MedGen C3151218, MONDO:0012592, OMIM 610968.

Allele frequency attached by ClinVar (database versions not stated): 1000 Genomes Project 30x 0.00016; 1000 Genomes Project 0.00020; gnomAD exomes 0.00083 and 0.00117; TOPMed 0.00094; ESP Exome Variant Server 0.00100; ExAC 0.00109; gnomAD 0.00113 and 0.00120.
gnomAD v4.1: 1,850 of 1,613,506 alleles (0.11%); highest among the groups gnomAD compares: Non-Finnish European, 0.14%; 1 homozygote.

Submissions (9):

GeneDx
Classification: Uncertain significance. Last evaluated: 2025-02-20. Review status: criteria provided, single submitter. Criteria: GeneDx Variant Classification Process June 2021. Collection method: clinical testing. Allele origin: germline. Affected: yes.
Comment: In silico analysis supports that this missense variant has a deleterious effect on protein structure/function; Has not been previously published as pathogenic or benign to our knowledge

Labcorp Genetics (formerly Invitae), Labcorp
Classification: Uncertain significance. Last evaluated: 2025-01-02. Review status: criteria provided, single submitter. Criteria: Invitae Variant Classification Sherloc (09022015). Collection method: clinical testing. Allele origin: germline.
Comment: This sequence change replaces arginine, which is basic and polar, with histidine, which is basic and polar, at codon 556 of the FKBP10 protein (p.Arg556His). This variant is present in population databases (rs138281924, gnomAD 0.2%), and has an allele count higher than expected for a pathogenic variant. This variant has not been reported in the literature in individuals affected with FKBP10-related conditions. ClinVar contains an entry for this variant (Variation ID: 193735). Invitae Evidence Modeling of protein sequence and biophysical properties (such as structural, functional, and spatial information, amino acid conservation, physicochemical variation, residue mobility, and thermodynamic stability) indicates that this missense variant is not expected to disrupt FKBP10 protein function with a negative predictive value of 80%. In summary, the available evidence is currently insufficient to determine the role of this variant in disease. Therefore, it has been classified as a Variant of Uncertain Significance.

Ambry Genetics
Classification: Uncertain significance for Inborn genetic diseases. Last evaluated: 2023-01-17. Review status: criteria provided, single submitter. Criteria: Ambry Variant Classification Scheme 2023. Collection method: clinical testing. Allele origin: germline.

ARUP Laboratories, Molecular Genetics and Genomics, ARUP Laboratories
Classification: Uncertain significance. Last evaluated: 2020-01-24. Review status: criteria provided, single submitter. Criteria: ARUP Molecular Germline Variant Investigation Process. Collection method: clinical testing. Allele origin: germline.
Comment: The FKBP10 c.1667G>A; p.Arg556His variant (rs138281924), to our knowledge, is not reported in the medical literature but is reported in ClinVar (Variation ID: 193735). This variant is found in the general population with an overall allele frequency of 0.089% (250/280688 alleles) in the Genome Aggregation Database. The arginine at codon 556 is highly conserved, but computational analyses (SIFT, PolyPhen-2) predict that this variant is tolerated. Due to limited information, the clinical significance of the p.Arg556His variant is uncertain at this time.

Baylor Genetics
Classification: Uncertain significance for Bruck syndrome 1. Last evaluated: 2019-10-31. Review status: criteria provided, single submitter. Criteria: ACMG Guidelines, 2015. Collection method: clinical testing. Allele origin: unknown. Affected: yes.
Comment: This variant was determined to be of uncertain significance according to ACMG Guidelines, 2015 [PMID:25741868].

CeGaT Center for Human Genetics Tuebingen
Classification: Uncertain significance. Last evaluated: 2019-09-01. Review status: criteria provided, single submitter. Criteria: CeGaT Center For Human Genetics Tuebingen Variant Classification Criteria Version 2. Collection method: clinical testing. Allele origin: germline. Affected: yes. Observed: 1 variant allele.

Fulgent Genetics
Classification: Uncertain significance for Bruck syndrome 1; Osteogenesis imperfecta type 11. Last evaluated: 2018-10-31. Review status: criteria provided, single submitter. Criteria: ACMG Guidelines, 2015. Collection method: clinical testing. Allele origin: unknown.

Illumina Laboratory Services, Illumina
Classification: Uncertain significance for Osteogenesis imperfecta type 11. Last evaluated: 2018-01-13. Review status: criteria provided, single submitter. Criteria: ICSL Variant Classification Criteria 13 December 2019. Collection method: clinical testing. Allele origin: germline.

Eurofins Ntd Llc (ga)
Classification: Uncertain significance. Last evaluated: 2015-01-20. Review status: criteria provided, single submitter. Criteria: EGL Classification Definitions 2015. Collection method: clinical testing. Allele origin: germline. Observed: 1 variant allele, 1 heterozygote.

NM_021939.4(FKBP10):c.1667G>A (p.Arg556His)

Gene: FKBP10 (FKBP prolyl isomerase 10; plus strand). Cytogenetic location: 17q21.2.
Variant type: single nucleotide variant.
Coding change: c.1667G>A on transcript NM_021939.4 (MANE Select); coding-DNA position 1667, G replaced by A.
Protein change: p.Arg556His; replaces arginine 556 with histidine.
Molecular consequence: missense variant.
Genome position (GRCh38, 1-based): chr17:41,822,326, G>A. VCF-style: chr17-41822326-G-A. GRCh37 (hg19) VCF-style: chr17-39978578-G-A.
Other names: short protein forms R556H.
Identifiers: ClinVar variation 193735 (VCV000193735.67), dbSNP rs138281924, ClinGen allele CA239349.
Genomic context (GRCh38, chr17:41,822,326, plus strand): 5'-GCCTCATGCCTGGGCAGGACCCTGAGAAAACCATAGGAGACATGTTCCAGAACCAGGACC[G>A]CAACCAGGACGGCAAGATCACAGTCGACGAGCTCAAGCTGAAGTCAGATGAGGACGAGGA-3'
Protein context (NP_068758.3, residues 546-566): TIGDMFQNQD[Arg556His]NQDGKITVDE